The following is an entry in ClinVar:

ClinVar aggregate classification (germline): Uncertain significance (1 of 4 stars; one submission).

Allele frequency attached by ClinVar (database versions not stated): gnomAD exomes below 0.00001; gnomAD 0.00001; ExAC 0.00002.
gnomAD v4.1: 8 of 1,614,068 alleles (0.0005%); highest among the groups gnomAD compares: South Asian, 0.0011%; no homozygotes.

Submission:

Labcorp Genetics (formerly Invitae), Labcorp
Classification: Uncertain significance. Last evaluated: 2024-02-11. Review status: criteria provided, single submitter. Criteria: Invitae Variant Classification Sherloc (09022015). Collection method: clinical testing. Allele origin: germline.
Comment: This sequence change replaces glycine, which is neutral and non-polar, with arginine, which is basic and polar, at codon 39 of the FOXP1 protein (p.Gly39Arg). This variant is present in population databases (rs752297898, gnomAD 0.003%). This variant has not been reported in the literature in individuals affected with FOXP1-related conditions. Advanced modeling of protein sequence and biophysical properties (such as structural, functional, and spatial information, amino acid conservation, physicochemical variation, residue mobility, and thermodynamic stability) performed at Invitae indicates that this missense variant is not expected to disrupt FOXP1 protein function with a negative predictive value of 80%. In summary, the available evidence is currently insufficient to determine the role of this variant in disease. Therefore, it has been classified as a Variant of Uncertain Significance.

NM_001349338.3(FOXP1):c.115G>A (p.Gly39Arg)

Gene: FOXP1 (forkhead box P1; minus strand). Cytogenetic location: 3p13.
Variant type: single nucleotide variant.
Coding change: c.115G>A on transcript NM_001349338.3 (MANE Select); coding-DNA position 115, G replaced by A.
Protein change: p.Gly39Arg; replaces glycine 39 with arginine.
Molecular consequence: missense variant. On other transcripts: non-coding transcript variant (2).
Genome position (GRCh38, 1-based): chr3:71,198,267, C>T on the plus strand (G>A on the coding strand, the complement: FOXP1 is on the minus strand). VCF-style: chr3-71198267-C-T. GRCh37 (hg19) VCF-style: chr3-71247418-C-T.
Other names: c.115G>A, p.Gly39Arg (NM_001349339.1, NM_001349340.3, NM_001349341.3 and 7 more transcripts); short protein forms G39R.
Identifiers: ClinVar variation 2703342 (VCV002703342.3), dbSNP rs752297898, ClinGen allele CA2491457.